The following is an entry in ClinVar:

NM_003919.3(SGCE):c.299G>A (p.Trp100Ter)

Genes: SGCE (sarcoglycan epsilon; minus strand), CASD1 (CAS1 domain containing 1; plus strand). Cytogenetic location: 7q21.3.
Variant type: single nucleotide variant.
Coding change: c.299G>A on transcript NM_003919.3 (MANE Select); coding-DNA position 299, G replaced by A.
Protein change: p.Trp100Ter; replaces tryptophan 100 with a stop codon.
Molecular consequence: nonsense.
Genome position (GRCh38, 1-based): chr7:94,628,293, C>T on the plus strand (G>A on the coding strand, the complement: SGCE is on the minus strand). VCF-style: chr7-94628293-C-T. GRCh37 (hg19) VCF-style: chr7-94257605-C-T.
Other names: c.299G>A, p.Trp100Ter (NM_001099400.2, NM_001099401.2, NM_001346717.2); c.176G>A, p.Trp59Ter (NM_001301139.2, NM_001362809.2); c.407G>A, p.Trp136Ter (NM_001346713.2, NM_001346715.2); c.212G>A, p.Trp71Ter (NM_001346719.2, NM_001362807.2); c.26G>A, p.Trp9Ter (NM_001346720.2, NM_001362808.2); short protein forms W100*, W71*, W9*, W136*, W59*.
Identifiers: ClinVar variation 280479 (VCV000280479.2), dbSNP rs886041675, ClinGen allele CA10603046.

ClinVar aggregate classification (germline): Pathogenic (1 of 4 stars; one submission).

Submission:

GeneDx
Classification: Pathogenic. Last evaluated: 2016-04-05. Review status: criteria provided, single submitter. Criteria: GeneDx Variant Classification (06012015). Collection method: clinical testing. Allele origin: germline. Affected: yes.
Comment: The W100X pathogenic variant in the SGCE gene has been reported previously as a pathogenic variant in three unrelated French probands with myoclonic dystonia (Tezenas du Montcel et al., 2006). Of note, W100X was due to the c.300G>A nucleotide substitution in this publication (Tezenas du Montcel et al., 2006). This variant is predicted to cause loss of normal protein function either through protein truncation or nonsense-mediated mRNA decay. The W100X variant was not observed in approximately 6500 individuals of European and African American ancestry in the NHLBI Exome Sequencing Project, indicating it is not a common benign variant in these populations. We interpret W100X as a pathogenic variant.